The following is an entry in ClinVar:

ClinVar aggregate classification (germline): Uncertain significance. Review status: criteria provided, multiple submitters, no conflicts (2 of 4 stars). 4 submissions from 4 submitters: Uncertain significance (3). 1 of the submissions does not count toward it. Last evaluated 2026-04-21.

Conditions:
Obesity. Also called: Obesity disorder. Identifiers: Orphanet 71529, MedGen C0028754, MeSH D009765, MONDO:0011122, HP:0001513.
MC4R-related disorder. Also called: MC4R-related condition.

Allele frequency attached by ClinVar (database versions not stated): gnomAD exomes below 0.00001 and 0.00001; ExAC 0.00001; gnomAD 0.00001; TOPMed 0.00002; ESP Exome Variant Server 0.00008.

Submissions (4):

PreventionGenetics, part of Exact Sciences
Classification: Uncertain significance for MC4R-related condition. Last evaluated: 2026-04-21. Review status: criteria provided, single submitter. Criteria: ACMG Guidelines, 2015. Collection method: clinical testing. Allele origin: germline.
Comment: The MC4R c.161T>C variant is predicted to result in the amino acid substitution p.Leu54Pro. The variant has been identified in the heterozygous state in three individuals with severe obesity (Tan et al. 2009. PubMed ID: 18801902). It is documented in just one allele of approximately 250,000 in gnomAD. In vitro functional analyses of the c.161T>C variant suggests it has reduced function due to decreased protein stability and cell-surface expression (Tan et al. 2009. PubMed ID: 18801902). However, these studies are prone to variability and may not accurately represent biological function. Although we suspect this variant may be pathogenic, at this time, its clinical significance is uncertain due to the absence of conclusive functional and genetic evidence.

Labcorp Genetics (formerly Invitae), Labcorp
Classification: Uncertain significance. Last evaluated: 2025-02-03. Review status: criteria provided, single submitter. Criteria: Invitae Variant Classification Sherloc (09022015). Collection method: clinical testing. Allele origin: germline.
Comment: This sequence change replaces leucine, which is neutral and non-polar, with proline, which is neutral and non-polar, at codon 54 of the MC4R protein (p.Leu54Pro). This variant is present in population databases (rs376439188, gnomAD 0.0009%). This missense change has been observed in individual(s) with obesity (PMID: 18801902). ClinVar contains an entry for this variant (Variation ID: 492861). Invitae Evidence Modeling of protein sequence and biophysical properties (such as structural, functional, and spatial information, amino acid conservation, physicochemical variation, residue mobility, and thermodynamic stability) indicates that this missense variant is not expected to disrupt MC4R protein function with a negative predictive value of 80%. Experimental studies have shown that this missense change affects MC4R function (PMID: 18801902). In summary, the available evidence is currently insufficient to determine the role of this variant in disease. Therefore, it has been classified as a Variant of Uncertain Significance.

Broad Center for Mendelian Genomics, Broad Institute of MIT and Harvard
Classification: Uncertain significance for Obesity. Last evaluated: 2020-01-22. Review status: criteria provided, single submitter. Criteria: ACMG Guidelines, 2015. Collection method: curation. Allele origin: germline. Inheritance: Autosomal dominant inheritance.
Comment: The p.Leu54Pro variant in MC4R has been reported in 4 individuals with Obesity (PMID: 18801902, 29758564), and has been identified in 0.0008801% (1/113626) of European (non-Finnish) chromosomes by the Genome Aggregation Database (gnomAD; dbSNP rs376439188). Although this variant has been seen in the general population, its frequency is low enough to be consistent with a carrier frequency. Please note that for diseases with clinical variability, or reduced penetrance, pathogenic variants may be present at a low frequency in the general population. This variant has also been reported pathogenic in ClinVar (Variation ID: 492861). In vitro functional studies provide some evidence that the p.Leu54Pro variant may slightly impact protein function (PMID: 18801902). However, these types of assays may not accurately represent biological function. Computational prediction tools and conservation analyses suggest that this variant may impact the protein, though this information is not predictive enough to determine pathogenicity. In summary, while there is some suspicion for a pathogenic role, the clinical significance of this variant is uncertain. ACMG/AMP Criteria applied: PS3_Moderate, PM2_Supporting, PP3, PS4_Supporting (Richards 2015).

Clinical Molecular Genetics Laboratory, Johns Hopkins All Children's Hospital
Classification: Pathogenic for Obesity. Last evaluated: 2017-05-04. Review status: no assertion criteria provided. Collection method: clinical testing. Allele origin: germline. Affected: yes. Not counted in ClinVar's aggregate classification.

Literature cited by the submitters: PubMed 18801902 (cited by Labcorp Genetics (formerly Invitae), Labcorp and Broad Center for Mendelian Genomics, Broad Institute of MIT and Harvard); PubMed 29758564 (cited by Broad Center for Mendelian Genomics, Broad Institute of MIT and Harvard).

NM_005912.3(MC4R):c.161T>C (p.Leu54Pro)

Gene: MC4R (melanocortin 4 receptor; minus strand). Cytogenetic location: 18q21.32.
Variant type: single nucleotide variant.
Coding change: c.161T>C on transcript NM_005912.3 (MANE Select); coding-DNA position 161, T replaced by C.
Protein change: p.Leu54Pro; replaces leucine 54 with proline.
Molecular consequence: missense variant.
Genome position (GRCh38, 1-based): chr18:60,372,189, A>G on the plus strand (T>C on the coding strand, the complement: MC4R is on the minus strand). VCF-style: chr18-60372189-A-G. GRCh37 (hg19) VCF-style: chr18-58039422-A-G.
Other names: short protein forms L54P.
Identifiers: ClinVar variation 492861 (VCV000492861.6), dbSNP rs376439188, ClinGen allele CA8980972.